The following is an entry in ClinVar:

ClinVar aggregate classification (germline): Benign (1 of 4 stars; one submission).

Allele frequency attached by ClinVar (database versions not stated): gnomAD exomes 0.00252 and 0.00678; ExAC 0.00917; 1000 Genomes Project 30x 0.02389; 1000 Genomes Project 0.02396; gnomAD 0.02660 and 0.02868; ESP Exome Variant Server 0.02937; TOPMed 0.02957.
gnomAD v4.1: 7,896 of 1,606,178 alleles (0.49%); highest among the groups gnomAD compares: African/African-American, 9.1%; 326 homozygotes.

Submission:

GeneDx
Classification: Benign. Last evaluated: 2018-06-18. Review status: criteria provided, single submitter. Criteria: GeneDx Variant Classification (06012015). Collection method: clinical testing. Allele origin: germline. Affected: yes.
Comment: This variant is considered likely benign or benign based on one or more of the following criteria: it is a conservative change, it occurs at a poorly conserved position in the protein, it is predicted to be benign by multiple in silico algorithms, and/or has population frequency not consistent with disease.

NM_001105206.3(LAMA4):c.815-36T>C

Gene: LAMA4 (laminin subunit alpha 4; minus strand). Cytogenetic location: 6q21.
Variant type: single nucleotide variant.
Coding change: c.815-36T>C on transcript NM_001105206.3 (MANE Select); 36 bases into the intron before coding-DNA position 815, T replaced by C.
Molecular consequence: intron variant.
Genome position (GRCh38, 1-based): chr6:112,187,637, A>G on the plus strand (T>C on the coding strand, the complement: LAMA4 is on the minus strand). VCF-style: chr6-112187637-A-G. GRCh37 (hg19) VCF-style: chr6-112508839-A-G.
Other names: c.794-36T>C (NM_002290.5, NM_001105207.3).
Identifiers: ClinVar variation 675499 (VCV000675499.1), dbSNP rs75357508, ClinGen allele CA3966023.